The following is an entry in ClinVar:

NM_018942.3(HMX1):c.262G>C (p.Gly88Arg)

Gene: HMX1 (H6 family homeobox 1; minus strand). Cytogenetic location: 4p16.1.
Variant type: single nucleotide variant.
Coding change: c.262G>C on transcript NM_018942.3 (MANE Select); coding-DNA position 262, G replaced by C.
Protein change: p.Gly88Arg; replaces glycine 88 with arginine.
Molecular consequence: missense variant.
Genome position (GRCh38, 1-based): chr4:8,871,353, C>G on the plus strand (G>C on the coding strand, the complement: HMX1 is on the minus strand). VCF-style: chr4-8871353-C-G. GRCh37 (hg19) VCF-style: chr4-8873079-C-G.
Other names: c.262G>C, p.Gly88Arg (NM_001306142.2); short protein forms G88R.
Identifiers: ClinVar variation 966059 (VCV000966059.9), dbSNP rs952845659, ClinGen allele CA92350224.

ClinVar aggregate classification (germline): Uncertain significance. Review status: criteria provided, multiple submitters, no conflicts (2 of 4 stars). 2 submissions from 2 submitters: Uncertain significance (2). Last evaluated 2025-04-08.

Conditions:
Inborn genetic diseases. Identifiers: MedGen C0950123, MeSH D030342.

Allele frequency attached by ClinVar (database versions not stated): gnomAD 0.00009; 1000 Genomes Project 30x 0.00016; TOPMed 0.00011.
gnomAD v4.1: 17 of 1,256,232 alleles (0.0014%); highest among the groups gnomAD compares: African/African-American, 0.022%; no homozygotes.

Submissions (2):

Ambry Genetics
Classification: Uncertain significance for Inborn genetic diseases. Last evaluated: 2025-04-08. Review status: criteria provided, single submitter. Criteria: Ambry Variant Classification Scheme 2023. Collection method: clinical testing. Allele origin: germline.

Labcorp Genetics (formerly Invitae), Labcorp
Classification: Uncertain significance. Last evaluated: 2022-06-03. Review status: criteria provided, single submitter. Criteria: Invitae Variant Classification Sherloc (09022015). Collection method: clinical testing. Allele origin: germline.
Comment: This sequence change replaces glycine, which is neutral and non-polar, with arginine, which is basic and polar, at codon 88 of the HMX1 protein (p.Gly88Arg). This variant is present in population databases (no rsID available, gnomAD 0.04%). This variant has not been reported in the literature in individuals affected with HMX1-related conditions. ClinVar contains an entry for this variant (Variation ID: 966059). Algorithms developed to predict the effect of missense changes on protein structure and function are either unavailable or do not agree on the potential impact of this missense change (SIFT: "Tolerated"; PolyPhen-2: "Not Available"; Align-GVGD: "Class C0"). In summary, the available evidence is currently insufficient to determine the role of this variant in disease. Therefore, it has been classified as a Variant of Uncertain Significance.